The following is an entry in ClinVar:

ClinVar aggregate classification (germline): Benign. Review status: criteria provided, multiple submitters, no conflicts (2 of 4 stars). 8 submissions from 8 submitters: Benign (7). 1 of the submissions does not count toward it. Last evaluated 2024-11-27.

Conditions:
TTBK2-related disorder. Also called: TTBK2-related condition.
Spinocerebellar ataxia type 11 (SCA11). Identifiers: Orphanet 98767, MedGen C1858351, MONDO:0011464, OMIM 604432.

Allele frequency attached by ClinVar (database versions not stated): 1000 Genomes Project 30x 0.08339; ESP Exome Variant Server 0.08426; 1000 Genomes Project 0.08686; gnomAD 0.08720 and 0.08842; TOPMed 0.08917; ExAC 0.11406.
gnomAD v4.1: 182,370 of 1,613,424 alleles (11%); highest among the groups gnomAD compares: East Asian, 16%; 11,137 homozygotes.

Submissions (8):

Blueprint Genetics
Classification: Benign. Last evaluated: 2024-11-27. Review status: criteria provided, single submitter. Criteria: ACMG Guidelines, 2015. Collection method: clinical testing. Allele origin: germline.

Mayo Clinic Laboratories, Mayo Clinic
Classification: Benign. Last evaluated: 2022-03-24. Review status: criteria provided, single submitter. Criteria: ACMG Guidelines, 2015. Collection method: clinical testing. Allele origin: germline. Observed: 108 variant alleles.

GeneDx
Classification: Benign. Last evaluated: 2021-05-17. Review status: criteria provided, single submitter. Criteria: GeneDx Variant Classification Process June 2021. Collection method: clinical testing. Allele origin: germline. Affected: yes.

Athena Diagnostics
Classification: Benign. Last evaluated: 2019-07-15. Review status: criteria provided, single submitter. Criteria: Athena Diagnostics Criteria. Collection method: clinical testing. Allele origin: germline.

Illumina Laboratory Services, Illumina
Classification: Benign for Spinocerebellar ataxia type 11. Last evaluated: 2018-01-12. Review status: criteria provided, single submitter. Criteria: ICSL Variant Classification Criteria 13 December 2019. Collection method: clinical testing. Allele origin: germline.
Comment: This variant was observed in the ICSL laboratory as part of a predisposition screen in an ostensibly healthy population. It had not been previously curated by ICSL or reported in the Human Gene Mutation Database (HGMD: prior to June 1st, 2018), and was therefore a candidate for classification through an automated scoring system. Utilizing variant allele frequency, disease prevalence and penetrance estimates, and inheritance mode, an automated score was calculated to assess if this variant is too frequent to cause the disease. Based on the score and internal cut-off values, a variant classified as benign is not then subjected to further curation. The score for this variant resulted in a classification of benign for this disease.

Eurofins Ntd Llc (ga)
Classification: Benign. Last evaluated: 2015-09-22. Review status: criteria provided, single submitter. Criteria: EGL Classification Definitions 2015. Collection method: clinical testing. Allele origin: germline. Observed: 1 variant allele, 1 heterozygote.

Breakthrough Genomics
Classification: Benign. Review status: criteria provided, single submitter. Criteria: ACMG Guidelines, 2015. Collection method: not provided. Allele origin: germline. Inheritance: Autosomal dominant inheritance. Affected: yes.

PreventionGenetics, part of Exact Sciences
Classification: Benign for TTBK2-related condition. Last evaluated: 2019-09-24. Review status: no assertion criteria provided. Collection method: clinical testing. Allele origin: germline. Not counted in ClinVar's aggregate classification.
Comment: This variant is classified as benign based on ACMG/AMP sequence variant interpretation guidelines (Richards et al. 2015 PMID: 25741868, with internal and published modifications).

NM_173500.4(TTBK2):c.-8G>A

Gene: TTBK2 (tau tubulin kinase 2; minus strand). Cytogenetic location: 15q15.2.
Variant type: single nucleotide variant.
Coding change: c.-8G>A on transcript NM_173500.4 (MANE Select); 8 bases upstream of the start codon, G replaced by A.
Molecular consequence: 5 prime UTR variant.
Genome position (GRCh38, 1-based): chr15:42,878,625, C>T on the plus strand (G>A on the coding strand, the complement: TTBK2 is on the minus strand). VCF-style: chr15-42878625-C-T. GRCh37 (hg19) VCF-style: chr15-43170823-C-T.
Identifiers: ClinVar variation 283506 (VCV000283506.17), dbSNP rs16957250, ClinGen allele CA7517620.
Genomic context (GRCh38, chr15:42,878,625, plus strand): 5'-TTCACTAGGATTCCAACACTCAGGATATCCAGCTGCTCTCCTCCCCCACTCATTGCAATA[C>T]ACTGATATGGTAGAACAGCTACACAGGCATCCAGTTCCCAAGGGTGGTTTCCATTTAACC-3'